The following is an entry in ClinVar:

NM_004618.5(TOP3A):c.2271dup (p.Arg758fs)

Gene: TOP3A (DNA topoisomerase III alpha; minus strand). Cytogenetic location: 17p11.2.
Variant type: Duplication.
Coding change: c.2271dup on transcript NM_004618.5 (MANE Select); coding-DNA position 2271, one base duplicated (C; older notation c.2271dupC).
Protein change: p.Arg758fs; shifts the reading frame from arginine 758.
Molecular consequence: frameshift variant.
Genome position (GRCh38, 1-based): chr17:18,278,231, G duplicated on the plus strand (C on the coding strand, the reverse complement: TOP3A is on the minus strand); the first of 7 consecutive G bases (chr17:18,278,231-18,278,237); duplicating any one gives the same sequence. VCF-style (leftmost placement, unchanged base first): chr17-18278230-T-TG. GRCh37 (hg19) VCF-style: chr17-18181544-T-TG.
Other names: c.1986dup, p.Arg663fs (NM_001320759.2); c.2271dupC (NM_004618.4); short protein forms R758fs, R663fs.
Identifiers: ClinVar variation 560203 (VCV000560203.10), dbSNP rs752838075, ClinGen allele CA8429632.

ClinVar aggregate classification (germline): Pathogenic. Review status: criteria provided, multiple submitters, no conflicts (2 of 4 stars). 5 submissions from 5 submitters: Pathogenic (4). 1 of the submissions does not count toward it. Last evaluated 2025-09-29.

Conditions:
Microcephaly, growth restriction, and increased sister chromatid exchange 2. Identifiers: MedGen C4748176, MONDO:0020628, OMIM 618097.

Submissions (5):

GeneDx
Classification: Pathogenic. Last evaluated: 2025-09-29. Review status: criteria provided, single submitter. Criteria: GeneDx Variant Classification Process June 2021. Collection method: clinical testing. Allele origin: germline. Affected: yes.
Comment: Published functional studies demonstrate mitochondrial damage and reduced content (PMID: 40450688); Not observed at significant frequency in large population cohorts (gnomAD); This variant is associated with the following publications: (PMID: 39663844, 40450688, 30057030)

Genetic Services Laboratory, University of Chicago
Classification: Pathogenic. Last evaluated: 2024-06-12. Review status: criteria provided, single submitter. Criteria: ACMG Guidelines, 2015. Collection method: clinical testing. Allele origin: germline. Affected: yes.
Comment: DNA sequence analysis of the TOP3A gene demonstrated a single base pair duplication in exon 18, c.2271dup. This sequence change results in an amino acid frameshift and creates a premature stop codon 2 amino acids downstream of the change, p.Arg758Glnfs*3. This sequence change is predicted to result in an abnormal transcript, which may be degraded, or may lead to the production of a truncated TOP3A protein with potentially abnormal function. This sequence change has been described in the gnomAD database with a frequency of 0.02% in the Finnish subpopulation (dbSNP rs752838075). This pathogenic sequence change has previously been described in the compound heterozygous state with a second pathogenic variant in several individuals with TOP3A-related disorders (PMID: 30057030). This variant was identified to segregate with disease in some families (PMID: 30057030). These collective evidences indicate that this sequence change is pathogenic, however functional studies have not been performed to prove this conclusively.

3billion
Classification: Pathogenic for Microcephaly, growth restriction, and increased sister chromatid exchange 2. Last evaluated: 2022-09-01. Review status: criteria provided, single submitter. Criteria: ACMG Guidelines, 2015. Collection method: clinical testing. Allele origin: germline. Affected: yes. Observed: 1 homozygote.
Comment: The variant is observed at an extremely low frequency in the gnomAD v2.1.1 dataset (total allele frequency: 0.005%). Frameshift variant is predicted to result in a loss or disruption of normal protein function through nonsense-mediated decay (NMD) or protein truncation. Multiple pathogenic variants are reported downstream of the variant. The variant has been reported at least twice as pathogenic with clinical assertions and evidence for the classification (ClinVar ID: VCV000560203 / PMID: 30057030). Therefore, this variant is classified as Pathogenic according to the recommendation of ACMG/AMP guideline.

AiLife Diagnostics
Classification: Pathogenic. Last evaluated: 2020-07-24. Review status: criteria provided, single submitter. Criteria: ACMG Guidelines, 2015. Collection method: clinical testing. Allele origin: germline. Affected: yes. Observed: 1 variant allele.

OMIM
Classification: Pathogenic for MICROCEPHALY, GROWTH RESTRICTION, AND INCREASED SISTER CHROMATID EXCHANGE 2. Last evaluated: 2018-08-30. Review status: no assertion criteria provided. Collection method: literature only. Allele origin: germline. Not counted in ClinVar's aggregate classification.

Literature cited by the submitters: PubMed 30057030 (cited by 3 submitters).